The following is an entry in ClinVar:

NM_014727.3(KMT2B):c.439C>G (p.Arg147Gly)

Gene: KMT2B (lysine methyltransferase 2B; plus strand). Cytogenetic location: 19q13.12.
Variant type: single nucleotide variant.
Coding change: c.439C>G on transcript NM_014727.3 (MANE Select); coding-DNA position 439, C replaced by G.
Protein change: p.Arg147Gly; replaces arginine 147 with glycine.
Molecular consequence: missense variant.
Genome position (GRCh38, 1-based): chr19:35,719,786, C>G. VCF-style: chr19-35719786-C-G. GRCh37 (hg19) VCF-style: chr19-36210688-C-G.
Other names: short protein forms R147G.
Identifiers: ClinVar variation 2442749 (VCV002442749.1), dbSNP rs1377091829, ClinGen allele CA405378381.

ClinVar aggregate classification (germline): Uncertain significance (1 of 4 stars; one submission).

Allele frequency attached by ClinVar (database versions not stated): gnomAD exomes below 0.00001.
gnomAD v4.1: 3 of 1,584,860 alleles (0.00019%); highest among the groups gnomAD compares: East Asian, 0.0022%; no homozygotes.

Submission:

GeneDx
Classification: Uncertain significance. Last evaluated: 2022-09-06. Review status: criteria provided, single submitter. Criteria: GeneDx Variant Classification Process June 2021. Collection method: clinical testing. Allele origin: germline. Affected: yes.
Comment: Not observed at significant frequency in large population cohorts (gnomAD); In silico analysis supports that this missense variant does not alter protein structure/function; Has not been previously published as pathogenic or benign to our knowledge